The following is an entry in ClinVar:

NM_014049.5(ACAD9):c.453+8A>G

Gene: ACAD9 (acyl-CoA dehydrogenase family member 9; plus strand). Cytogenetic location: 3q21.3.
Variant type: single nucleotide variant.
Coding change: c.453+8A>G on transcript NM_014049.5 (MANE Select); 8 bases into the intron after coding-DNA position 453, A replaced by G.
Molecular consequence: intron variant.
Genome position (GRCh38, 1-based): chr3:128,895,424, A>G. VCF-style: chr3-128895424-A-G. GRCh37 (hg19) VCF-style: chr3-128614267-A-G.
Identifiers: ClinVar variation 559263 (VCV000559263.59), dbSNP rs199919500, ClinGen allele CA2601145.

ClinVar aggregate classification (germline): Conflicting classifications of pathogenicity. Review status: criteria provided, conflicting classifications (1 of 4 stars). 8 submissions from 8 submitters: Uncertain significance (2); Benign (1); Likely benign (2). 3 of the submissions do not count toward it. Last evaluated 2026-01-26.

Conditions:
ACAD9-related disorder. Also called: ACAD9-related condition.
Acyl-CoA dehydrogenase 9 deficiency. Also called: Acyl-CoA dehydrogenase family, member 9, deficiency of; MITOCHONDRIAL COMPLEX I DEFICIENCY, NUCLEAR TYPE 20. Identifiers: Orphanet 99901, MedGen C4747517, MONDO:0012624, OMIM 611126.

Allele frequency attached by ClinVar (database versions not stated): 1000 Genomes Project 30x 0.00016; 1000 Genomes Project 0.00020; TOPMed 0.00043; ESP Exome Variant Server 0.00046; gnomAD 0.00086 and 0.00092; gnomAD exomes 0.00087 and 0.00101; ExAC 0.00180.
gnomAD v4.1: 1,386 of 1,597,376 alleles (0.087%); highest among the groups gnomAD compares: Non-Finnish European, 0.077%; 3 homozygotes.

Submissions (8):

Labcorp Genetics (formerly Invitae), Labcorp
Classification: Benign. Last evaluated: 2026-01-26. Review status: criteria provided, single submitter. Criteria: Invitae Variant Classification Sherloc (09022015). Collection method: clinical testing. Allele origin: germline.

CeGaT Center for Human Genetics Tuebingen
Classification: Likely benign. Last evaluated: 2025-12-01. Review status: criteria provided, single submitter. Criteria: CeGaT Center For Human Genetics Tuebingen Variant Classification Criteria Version 2. Collection method: clinical testing. Allele origin: germline. Affected: yes. Observed: 5 variant alleles.
Comment: ACAD9: BP4, BS2

Blueprint Genetics
Classification: Likely benign. Last evaluated: 2024-11-26. Review status: criteria provided, single submitter. Criteria: ACMG Guidelines, 2015. Collection method: clinical testing. Allele origin: germline.

Revvity Omics, Revvity
Classification: Uncertain significance for Acyl-CoA dehydrogenase 9 deficiency. Last evaluated: 2023-07-28. Review status: criteria provided, single submitter. Criteria: ACMG Guidelines, 2015. Collection method: clinical testing. Allele origin: germline.

Illumina Laboratory Services, Illumina
Classification: Uncertain significance for Acyl-CoA dehydrogenase 9 deficiency. Last evaluated: 2018-01-13. Review status: criteria provided, single submitter. Criteria: ICSL Variant Classification Criteria 13 December 2019. Collection method: clinical testing. Allele origin: germline.

PreventionGenetics, part of Exact Sciences
Classification: Likely benign for ACAD9-related condition. Last evaluated: 2022-03-11. Review status: no assertion criteria provided. Collection method: clinical testing. Allele origin: germline. Not counted in ClinVar's aggregate classification.
Comment: This variant is classified as likely benign based on ACMG/AMP sequence variant interpretation guidelines (Richards et al. 2015 PMID: 25741868, with internal and published modifications).

Natera, Inc.
Classification: Likely benign for ACAD9 deficiency. Last evaluated: 2020-06-04. Review status: no assertion criteria provided. Collection method: clinical testing. Allele origin: germline. Not counted in ClinVar's aggregate classification.

Mayo Clinic Laboratories, Mayo Clinic
Classification: Uncertain significance. Last evaluated: 2016-02-22. Review status: no assertion criteria provided. Collection method: clinical testing. Allele origin: unknown. Not counted in ClinVar's aggregate classification.